The following is an entry in ClinVar:

ClinVar aggregate classification (germline): Uncertain significance. Review status: criteria provided, multiple submitters, no conflicts (2 of 4 stars). 2 submissions from 2 submitters: Uncertain significance (2). Last evaluated 2025-09-23.

Conditions:
TNF receptor-associated periodic fever syndrome (TRAPS) (FPF). Also called: Autosomal Dominant Familial Periodic Fever; TNF RECEPTOR-ASSOCIATED PERIODIC SYNDROME; TUMOR NECROSIS FACTOR RECEPTOR-ASSOCIATED PERIODIC SYNDROME; FAMILIAL HIBERNIAN FEVER; TNF receptor 1-associated periodic fever syndrome; TNF Receptor-Associated Periodic Fever Syndrome. Identifiers: Orphanet 32960, MedGen C1275126, MONDO:0007727, OMIM 142680.

Allele frequency attached by ClinVar (database versions not stated): TOPMed below 0.00001; gnomAD 0.00001; gnomAD exomes 0.00001.
gnomAD v4.1: 17 of 1,604,228 alleles (0.0011%); highest among the groups gnomAD compares: Non-Finnish European, 0.0014%; no homozygotes.

Submissions (2):

Labcorp Genetics (formerly Invitae), Labcorp
Classification: Uncertain significance for TNF receptor-associated periodic fever syndrome (TRAPS). Last evaluated: 2025-09-23. Review status: criteria provided, single submitter. Criteria: Invitae Variant Classification Sherloc (09022015). Collection method: clinical testing. Allele origin: germline.
Comment: This sequence change replaces proline, which is neutral and non-polar, with serine, which is neutral and polar, at codon 333 of the TNFRSF1A protein (p.Pro333Ser). This variant is present in population databases (no rsID available, gnomAD 0.01%). This variant has not been reported in the literature in individuals affected with TNFRSF1A-related conditions. ClinVar contains an entry for this variant (Variation ID: 856927). Invitae Evidence Modeling of protein sequence and biophysical properties (such as structural, functional, and spatial information, amino acid conservation, physicochemical variation, residue mobility, and thermodynamic stability) has been performed for this missense variant. However, the output from this modeling did not meet the statistical confidence thresholds required to predict the impact of this variant on TNFRSF1A protein function. In summary, the available evidence is currently insufficient to determine the role of this variant in disease. Therefore, it has been classified as a Variant of Uncertain Significance.

CeGaT Center for Human Genetics Tuebingen
Classification: Uncertain significance. Last evaluated: 2024-02-01. Review status: criteria provided, single submitter. Criteria: CeGaT Center For Human Genetics Tuebingen Variant Classification Criteria Version 2. Collection method: clinical testing. Allele origin: germline. Affected: yes. Observed: 1 variant allele.
Comment: TNFRSF1A: PM2

NM_001065.4(TNFRSF1A):c.997C>T (p.Pro333Ser)

Gene: TNFRSF1A (TNF receptor superfamily member 1A; minus strand). Cytogenetic location: 12p13.31.
Variant type: single nucleotide variant.
Coding change: c.997C>T on transcript NM_001065.4 (MANE Select); coding-DNA position 997, C replaced by T.
Protein change: p.Pro333Ser; replaces proline 333 with serine.
Molecular consequence: missense variant. On other transcripts: non-coding transcript variant (1).
Genome position (GRCh38, 1-based): chr12:6,329,838, G>A on the plus strand (C>T on the coding strand, the complement: TNFRSF1A is on the minus strand). VCF-style: chr12-6329838-G-A. GRCh37 (hg19) VCF-style: chr12-6439004-G-A.
Other names: c.673C>T, p.Pro225Ser (NM_001346091.2); c.538C>T, p.Pro180Ser (NM_001346092.2); short protein forms P180S, P225S, P333S.
Identifiers: ClinVar variation 856927 (VCV000856927.31), dbSNP rs1338161780, ClinGen allele CA383545697.